The following is an entry in ClinVar:

ClinVar aggregate classification (germline): Uncertain significance (1 of 4 stars; one submission).

Conditions:
Cardiovascular phenotype. Identifiers: MedGen CN230736.

Submission:

Ambry Genetics
Classification: Uncertain significance for Cardiovascular phenotype. Last evaluated: 2023-08-14. Review status: criteria provided, single submitter. Criteria: Ambry Variant Classification Scheme 2023. Collection method: clinical testing. Allele origin: germline.
Comment: The p.D618E variant (also known as c.1854T>A), located in coding exon 31 of the COL1A2 gene, results from a T to A substitution at nucleotide position 1854. The aspartic acid at codon 618 is replaced by glutamic acid, an amino acid with highly similar properties. This amino acid position is highly conserved in available vertebrate species. In addition, the in silico prediction for this alteration is inconclusive. Since supporting evidence is limited at this time, the clinical significance of this alteration remains unclear.

NM_000089.4(COL1A2):c.1854T>A (p.Asp618Glu)

Gene: COL1A2 (collagen type I alpha 2 chain; plus strand). Cytogenetic location: 7q21.3.
Variant type: single nucleotide variant.
Coding change: c.1854T>A on transcript NM_000089.4 (MANE Select); coding-DNA position 1854, T replaced by A.
Protein change: p.Asp618Glu; replaces aspartic acid 618 with glutamic acid.
Molecular consequence: missense variant.
Genome position (GRCh38, 1-based): chr7:94,416,494, T>A. VCF-style: chr7-94416494-T-A. GRCh37 (hg19) VCF-style: chr7-94045806-T-A.
Other names: short protein forms D618E.
Identifiers: ClinVar variation 2586613 (VCV002586613.2), dbSNP rs747305213, ClinGen allele CA4347214.